The following is an entry in ClinVar:

ClinVar aggregate classification (germline): Likely benign. Review status: criteria provided, multiple submitters, no conflicts (2 of 4 stars). 3 submissions from 3 submitters: Likely benign (3). Last evaluated 2023-03-16.

Conditions:
Cardiovascular phenotype. Identifiers: MedGen CN230736.
Brugada syndrome. Also called: Sudden unexpected nocturnal death syndrome; Sudden unexplained nocturnal death syndrome; Sudden Unexplained Death Syndrome; Sudden Unexplained Nocturnal Death Syndrome (SUNDS). Identifiers: Orphanet 130, MedGen C1142166, MONDO:0015263.

Allele frequency attached by ClinVar (database versions not stated): gnomAD exomes 0.00001 and 0.00002; ExAC 0.00002; TOPMed 0.00002; gnomAD 0.00005.
gnomAD v4.1: 15 of 1,492,110 alleles (0.001%); highest among the groups gnomAD compares: African/African-American, 0.014%; no homozygotes.

Submissions (3):

Labcorp Genetics (formerly Invitae), Labcorp
Classification: Likely benign for Brugada syndrome. Last evaluated: 2023-03-16. Review status: criteria provided, single submitter. Criteria: Invitae Variant Classification Sherloc (09022015). Collection method: clinical testing. Allele origin: germline.

Ambry Genetics
Classification: Likely benign for Cardiovascular phenotype. Last evaluated: 2021-02-17. Review status: criteria provided, single submitter. Criteria: Ambry Variant Classification Scheme 2023. Collection method: clinical testing. Allele origin: germline.

GeneDx
Classification: Likely benign. Last evaluated: 2017-01-16. Review status: criteria provided, single submitter. Criteria: GeneDx Variant Classification (06012015). Collection method: clinical testing. Allele origin: germline. Affected: yes.
Comment: This variant is considered likely benign or benign based on one or more of the following criteria: it is a conservative change, it occurs at a poorly conserved position in the protein, it is predicted to be benign by multiple in silico algorithms, and/or has population frequency not consistent with disease.

NM_000722.4(CACNA2D1):c.1740T>C (p.Tyr580=)

Gene: CACNA2D1 (calcium voltage-gated channel auxiliary subunit alpha2delta 1; minus strand). Cytogenetic location: 7q21.11.
Variant type: single nucleotide variant.
Coding change: c.1740T>C on transcript NM_000722.4 (MANE Select); coding-DNA position 1740, T replaced by C.
Protein change: p.Tyr580=; no amino-acid change (tyrosine 580 retained).
Molecular consequence: synonymous variant.
Genome position (GRCh38, 1-based): chr7:81,991,241, A>G on the plus strand (T>C on the coding strand, the complement: CACNA2D1 is on the minus strand). VCF-style: chr7-81991241-A-G. GRCh37 (hg19) VCF-style: chr7-81620557-A-G.
Other names: c.1797T>C, p.Tyr599= (NM_001366867.1); c.1740T>C (LRG_437t1).
Identifiers: ClinVar variation 392779 (VCV000392779.10), dbSNP rs761279886, ClinGen allele CA4317913.